The following is an entry in ClinVar:

ClinVar aggregate classification (germline): Uncertain significance (1 of 4 stars; one submission).

Conditions:
Singleton-Merten syndrome 1 (SGMRT1). Also called: Widened medullary cavities of bone, aortic calcification, abnormal dentition, and muscular weakness; Syndrome of widened medullary cavities of the metacarpals and phalanges, aortic calcification and abnormal dentition. Identifiers: Orphanet 85191, MedGen C4225427, MONDO:0024535, OMIM 182250.
Aicardi-Goutieres syndrome 7 (AGS7). Identifiers: Orphanet 51, MedGen C3888244, MONDO:0014367, OMIM 615846.

Submission:

Labcorp Genetics (formerly Invitae), Labcorp
Classification: Uncertain significance for Aicardi-Goutieres syndrome 7; Singleton-Merten syndrome 1. Last evaluated: 2023-02-16. Review status: criteria provided, single submitter. Criteria: Invitae Variant Classification Sherloc (09022015). Collection method: clinical testing. Allele origin: germline.
Comment: This premature translational stop signal has been observed in at least one individual who was not affected with IFIH1-related conditions (Invitae). In summary, the available evidence is currently insufficient to determine the role of this variant in disease. Therefore, it has been classified as a Variant of Uncertain Significance. This variant has not been reported in the literature in individuals affected with IFIH1-related conditions. This variant is not present in population databases (gnomAD no frequency). This sequence change creates a premature translational stop signal (p.Asn469Lysfs*31) in the IFIH1 gene. It is expected to result in an absent or disrupted protein product. However, the current clinical and genetic evidence is not sufficient to establish whether loss-of-function variants in IFIH1 cause disease.

NM_022168.4(IFIH1):c.1407_1417del (p.Asn469fs)

Gene: IFIH1 (interferon induced with helicase C domain 1; minus strand). Cytogenetic location: 2q24.2.
Variant type: Deletion.
Coding change: c.1407_1417del on transcript NM_022168.4 (MANE Select); coding-DNA positions 1407 to 1417, 11 bases deleted (TAGACTCAAGA).
Protein change: p.Asn469fs; shifts the reading frame from asparagine 469.
Molecular consequence: frameshift variant.
Genome position (GRCh38, 1-based): chr2:162,281,435-162,281,445, TCTTGAGTCTA deleted on the plus strand (TAGACTCAAGA on the coding strand, the reverse complement: IFIH1 is on the minus strand); deleting any 11 consecutive bases within chr2:162,281,435-162,281,446 gives the same sequence; the c. name uses the placement nearest the transcript's 3' end. VCF-style (leftmost placement, unchanged base first): chr2-162281434-TTCTTGAGTCTA-T. GRCh37 (hg19) VCF-style: chr2-163137944-TTCTTGAGTCTA-T.
Other names: short protein forms N469fs.
Identifiers: ClinVar variation 2924317 (VCV002924317.3), dbSNP rs1682806992, ClinGen allele CA1038596057.